The following is an entry in ClinVar:

ClinVar aggregate classification (germline): Uncertain significance (1 of 4 stars; one submission).

Submission:

Labcorp Genetics (formerly Invitae), Labcorp
Classification: Uncertain significance. Last evaluated: 2022-05-21. Review status: criteria provided, single submitter. Criteria: Invitae Variant Classification Sherloc (09022015). Collection method: clinical testing. Allele origin: germline.
Comment: In summary, the available evidence is currently insufficient to determine the role of this variant in disease. Therefore, it has been classified as a Variant of Uncertain Significance. Algorithms developed to predict the effect of missense changes on protein structure and function (SIFT, PolyPhen-2, Align-GVGD) all suggest that this variant is likely to be tolerated. This variant has not been reported in the literature in individuals affected with TBC1D20-related conditions. This variant is not present in population databases (gnomAD no frequency). This sequence change replaces aspartic acid, which is acidic and polar, with glutamic acid, which is acidic and polar, at codon 267 of the TBC1D20 protein (p.Asp267Glu).

NM_144628.4(TBC1D20):c.801C>G (p.Asp267Glu)

Gene: TBC1D20 (TBC1 domain family member 20; minus strand). Cytogenetic location: 20p13.
Variant type: single nucleotide variant.
Coding change: c.801C>G on transcript NM_144628.4 (MANE Select); coding-DNA position 801, C replaced by G.
Protein change: p.Asp267Glu; replaces aspartic acid 267 with glutamic acid.
Molecular consequence: missense variant. On other transcripts: non-coding transcript variant (1).
Genome position (GRCh38, 1-based): chr20:439,263, G>C on the plus strand (C>G on the coding strand, the complement: TBC1D20 is on the minus strand). VCF-style: chr20-439263-G-C. GRCh37 (hg19) VCF-style: chr20-419907-G-C.
Other names: short protein forms D267E.
Identifiers: ClinVar variation 1997243 (VCV001997243.4), dbSNP rs2514577133, ClinGen allele CA407943866.